The following is an entry in ClinVar:

NM_005591.4(MRE11):c.1252dup (p.Ile418fs)

Gene: MRE11 (MRE11 double strand break repair nuclease; minus strand). Cytogenetic location: 11q21.
Variant type: Duplication.
Coding change: c.1252dup on transcript NM_005591.4 (MANE Select); coding-DNA position 1252, one base duplicated (A; older notation c.1252dupA).
Protein change: p.Ile418fs; shifts the reading frame from isoleucine 418.
Molecular consequence: frameshift variant.
Genome position (GRCh38, 1-based): chr11:94,461,010, T duplicated on the plus strand (A on the coding strand, the reverse complement: MRE11 is on the minus strand). VCF-style (leftmost placement, unchanged base first): chr11-94461009-A-AT. GRCh37 (hg19) VCF-style: chr11-94194175-A-AT.
Other names: c.1252dup, p.Ile418fs (NM_001330347.2, NM_005590.4); c.1252dupA (NM_005591.3); short protein forms I418fs.
Identifiers: ClinVar variation 485812 (VCV000485812.6), dbSNP rs1555009931, ClinGen allele CA658658097.

ClinVar aggregate classification (germline): Pathogenic/Likely pathogenic. Review status: criteria provided, multiple submitters, no conflicts (2 of 4 stars). 2 submissions from 2 submitters: Pathogenic (1); Likely pathogenic (1). Last evaluated 2023-10-12.

Conditions:
Hereditary cancer-predisposing syndrome. Also called: Tumor predisposition; Hereditary Cancer Syndrome; Hereditary neoplastic syndrome; Neoplastic Syndromes, Hereditary. Identifiers: Orphanet 140162, MedGen C0027672, MeSH D009386, MONDO:0015356.
Ataxia-telangiectasia-like disorder 1 (ATLD1). Identifiers: Orphanet 251347, MedGen C4012790, MONDO:0024557, OMIM 604391.

Allele frequency attached by ClinVar (database versions not stated): gnomAD exomes below 0.00001.

Submissions (2):

Ambry Genetics
Classification: Pathogenic for Hereditary cancer-predisposing syndrome. Last evaluated: 2023-10-12. Review status: criteria provided, single submitter. Criteria: Ambry Variant Classification Scheme 2023. Collection method: clinical testing. Allele origin: germline.
Comment: The c.1252dupA pathogenic mutation, located in coding exon 11 of the MRE11A gene, results from a duplication of A at nucleotide position 1252, causing a translational frameshift with a predicted alternate stop codon (p.I418Nfs*39). This alteration is expected to result in loss of function by premature protein truncation or nonsense-mediated mRNA decay. As such, this alteration is interpreted as a disease-causing mutation.

Baylor Genetics
Classification: Likely pathogenic for Ataxia-telangiectasia-like disorder 1. Last evaluated: 2022-03-15. Review status: criteria provided, single submitter. Criteria: ACMG Guidelines, 2015. Collection method: clinical testing. Allele origin: unknown.